The following is an entry in ClinVar:

ClinVar aggregate classification (germline): Uncertain significance (1 of 4 stars; one submission).

Submission:

Labcorp Genetics (formerly Invitae), Labcorp
Classification: Uncertain significance. Last evaluated: 2025-02-06. Review status: criteria provided, single submitter. Criteria: Invitae Variant Classification Sherloc (09022015). Collection method: clinical testing. Allele origin: germline.
Comment: This variant, c.1120_1146del, results in the deletion of 9 amino acid(s) of the PRPF31 protein (p.Gln374_Glu382del), but otherwise preserves the integrity of the reading frame. This variant also falls at the last nucleotide of exon 11, which is part of the consensus splice site for this exon. This variant is not present in population databases (gnomAD no frequency). This variant has not been reported in the literature in individuals affected with PRPF31-related conditions. Variants that disrupt the consensus splice site are a relatively common cause of aberrant splicing (PMID: 17576681, 9536098). This variant disrupts a region of the PRPF31 protein in which other variant(s) (p.Arg377Gly; p.Glu382Asp) have been observed in individuals with PRPF31-related conditions (internal data). This suggests that this is a clinically significant region of the protein, and that variants that disrupt it are likely to be disease-causing. In summary, the available evidence is currently insufficient to determine the role of this variant in disease. Therefore, it has been classified as a Variant of Uncertain Significance.

Literature cited by the submitters: PubMed 17576681; PubMed 9536098.

NM_015629.4(PRPF31):c.1120_1146del (p.Gln374_Glu382del)

Gene: PRPF31 (pre-mRNA processing factor 31; plus strand). Cytogenetic location: 19q13.42.
Variant type: Deletion.
Coding change: c.1120_1146del on transcript NM_015629.4 (MANE Select); coding-DNA positions 1120 to 1146, 27 bases deleted (CAGGCCAACCGTATGAGCTTCGGAGAG).
Protein change: p.Gln374_Glu382del.
Molecular consequence: inframe deletion.
Genome position (GRCh38, 1-based): chr19:54,128,351-54,128,377, CAGGCCAACCGTATGAGCTTCGGAGAG deleted; deleting any 27 consecutive bases within chr19:54,128,349-54,128,377 gives the same sequence; the c. name uses the placement nearest the transcript's 3' end. VCF-style (leftmost placement, unchanged base first): chr19-54128348-AAGCAGGCCAACCGTATGAGCTTCGGAG-A. GRCh37 (hg19) VCF-style: chr19-54631723-AAGCAGGCCAACCGTATGAGCTTCGGAG-A.
Identifiers: ClinVar variation 4712043 (VCV004712043.1).